The following is an entry in ClinVar:

NM_004859.4(CLTC):c.4678G>A (p.Glu1560Lys)

Gene: CLTC (clathrin heavy chain; plus strand). Cytogenetic location: 17q23.1.
Variant type: single nucleotide variant.
Coding change: c.4678G>A on transcript NM_004859.4 (MANE Select); coding-DNA position 4678, G replaced by A.
Protein change: p.Glu1560Lys; replaces glutamic acid 1560 with lysine.
Molecular consequence: missense variant.
Genome position (GRCh38, 1-based): chr17:59,685,659, G>A. VCF-style: chr17-59685659-G-A. GRCh37 (hg19) VCF-style: chr17-57763020-G-A.
Other names: c.4690G>A, p.Glu1564Lys (NM_001288653.2); short protein forms E1560K, E1564K.
Identifiers: ClinVar variation 3692866 (VCV003692866.2).
Genomic context (GRCh38, chr17:59,685,659, plus strand): 5'-TATGCTTCTGAATCTAAAGATACTGAATTGGCTGAAGAACTCCTGCAGTGGTTTTTGCAG[G>A]AAGAAAAAAGAGAGTGCTTTGGAGCTTGTCTGTTTACCTGTTACGATCTTTTAAGGCCAG-3'
Protein context (NP_004850.1, residues 1550-1570): AEELLQWFLQ[Glu1560Lys]EKRECFGACL

ClinVar aggregate classification (germline): Uncertain significance (1 of 4 stars; one submission).

gnomAD v4.1: 21 of 1,613,890 alleles (0.0013%); highest among the groups gnomAD compares: Non-Finnish European, 0.0017%; no homozygotes.

Submission:

Labcorp Genetics (formerly Invitae), Labcorp
Classification: Uncertain significance. Last evaluated: 2024-11-25. Review status: criteria provided, single submitter. Criteria: Invitae Variant Classification Sherloc (09022015). Collection method: clinical testing. Allele origin: germline.
Comment: This sequence change replaces glutamic acid, which is acidic and polar, with lysine, which is basic and polar, at codon 1564 of the CLTC protein (p.Glu1564Lys). This variant is present in population databases (rs752916649, gnomAD 0.003%). This variant has not been reported in the literature in individuals affected with CLTC-related conditions. Invitae Evidence Modeling of protein sequence and biophysical properties (such as structural, functional, and spatial information, amino acid conservation, physicochemical variation, residue mobility, and thermodynamic stability) indicates that this missense variant is not expected to disrupt CLTC protein function with a negative predictive value of 80%. In summary, the available evidence is currently insufficient to determine the role of this variant in disease. Therefore, it has been classified as a Variant of Uncertain Significance.